The following is an entry in ClinVar:

NM_004273.5(CHST3):c.340G>C (p.Glu114Gln)

Gene: CHST3 (carbohydrate sulfotransferase 3; plus strand). Cytogenetic location: 10q22.1.
Variant type: single nucleotide variant.
Coding change: c.340G>C on transcript NM_004273.5 (MANE Select); coding-DNA position 340, G replaced by C.
Protein change: p.Glu114Gln; replaces glutamic acid 114 with glutamine.
Molecular consequence: missense variant.
Genome position (GRCh38, 1-based): chr10:72,007,371, G>C. VCF-style: chr10-72007371-G-C. GRCh37 (hg19) VCF-style: chr10-73767129-G-C.
Other names: short protein forms E114Q.
Identifiers: ClinVar variation 1429973 (VCV001429973.7), dbSNP rs759393390, ClinGen allele CA5548067.

ClinVar aggregate classification (germline): Uncertain significance (1 of 4 stars; one submission).

Conditions:
Spondyloepiphyseal dysplasia with congenital joint dislocations (SEDCJD). Also called: Chondrodysplasia with Congenital Joint Dislocations, CHST3-Related. Identifiers: Orphanet 263463, MedGen C1837657, MONDO:0007738, OMIM 143095.

Allele frequency attached by ClinVar (database versions not stated): TOPMed below 0.00001; ExAC 0.00001; gnomAD exomes 0.00001.
gnomAD v4.1: 63 of 1,606,402 alleles (0.0039%); highest among the groups gnomAD compares: Non-Finnish European, 0.0052%; no homozygotes.

Submission:

Labcorp Genetics (formerly Invitae), Labcorp
Classification: Uncertain significance for Spondyloepiphyseal dysplasia with congenital joint dislocations. Last evaluated: 2023-10-03. Review status: criteria provided, single submitter. Criteria: Invitae Variant Classification Sherloc (09022015). Collection method: clinical testing. Allele origin: germline.
Comment: This sequence change replaces glutamic acid, which is acidic and polar, with glutamine, which is neutral and polar, at codon 114 of the CHST3 protein (p.Glu114Gln). This variant is present in population databases (rs759393390, gnomAD 0.01%). This variant has not been reported in the literature in individuals affected with CHST3-related conditions. ClinVar contains an entry for this variant (Variation ID: 1429973). Algorithms developed to predict the effect of missense changes on protein structure and function output the following: SIFT: "Not Available"; PolyPhen-2: "Benign"; Align-GVGD: "Not Available". The glutamine amino acid residue is found in multiple mammalian species, which suggests that this missense change does not adversely affect protein function. In summary, the available evidence is currently insufficient to determine the role of this variant in disease. Therefore, it has been classified as a Variant of Uncertain Significance.